The following is an entry in ClinVar:

ClinVar aggregate classification (germline): Uncertain significance. Review status: criteria provided, multiple submitters, no conflicts (2 of 4 stars). 2 submissions from 2 submitters: Uncertain significance (2). Last evaluated 2024-04-09.

Conditions:
Amyloidosis, hereditary systemic 1 (AMYLD1). Also called: Transthyretin Amyloidosis; Hereditary oculoleptomeningeal amyloid angiopathy; Familial Transthyretin Amyloidosis; AMYLOID CARDIOMYOPATHY; Hereditary Transthyretin Amyloidosis; Familial amyloid polyneuropathy. Identifiers: Orphanet 85447, Orphanet 85451, MedGen C2751492, MONDO:0971004, OMIM 105210.

Submissions (2):

Blueprint Genetics
Classification: Uncertain significance. Last evaluated: 2024-04-09. Review status: criteria provided, single submitter. Criteria: ACMG Guidelines, 2015. Collection method: clinical testing. Allele origin: germline.

Labcorp Genetics (formerly Invitae), Labcorp
Classification: Uncertain significance for Amyloidosis, hereditary systemic 1. Last evaluated: 2017-08-06. Review status: criteria provided, single submitter. Criteria: Invitae Variant Classification Sherloc (09022015). Collection method: clinical testing. Allele origin: germline.
Comment: In summary, the available evidence is currently insufficient to determine the role of this variant in disease. Therefore, it has been classified as a Variant of Uncertain Significance. It is not possible to discern whether this amino acid deletion affects codon 58 or 59 since the same sequence is present at both positions with two consecutive aspartic acid amino acids. A missense substitution at codon 59 (p.Asp59Ala) has been determined to be pathogenic (PMID: 25644864). This suggests that the asparagine residue is critical for TTR protein function and that other missense substitutions or deletions at this position may also be pathogenic. Experimental studies and prediction algorithms are not available for this variant, and the functional significance of the deleted amino acid is currently unknown. This variant has not been reported in the literature in individuals with TTR-related disease. This variant is not present in population databases (ExAC no frequency). This variant, c.174_176delTGA, results in the deletion of 1 amino acid of the TTR protein (p.Asp59del), but otherwise preserves the integrity of the reading frame.

Literature cited by the submitters: PubMed 25644864 (cited by Labcorp Genetics (formerly Invitae), Labcorp).

NM_000371.4(TTR):c.171TGA[1] (p.Asp59del)

Gene: TTR (transthyretin; plus strand). Cytogenetic location: 18q12.1.
Variant type: Microsatellite.
Coding change: c.171TGA[1] on transcript NM_000371.4 (MANE Select); one copy of the 3-base unit TGA starting at c.171; the reference has two copies in a row; one copy, 3 bases deleted.
Protein change: p.Asp59del; deletes aspartic acid 59.
Molecular consequence: inframe deletion.
Genome position (GRCh38, 1-based): chr18:31,593,000-31,593,002, TGA deleted; deleting any 3 consecutive bases within chr18:31,592,997-31,593,002 gives the same sequence; the position shown is the placement nearest the transcript's 3' end. VCF-style (leftmost placement, unchanged base first): chr18-31592996-CTGA-C. GRCh37 (hg19) VCF-style: chr18-29172959-CTGA-C.
Other names: c.174_176delTGA (NM_000371.3); short protein forms D59del.
Identifiers: ClinVar variation 538166 (VCV000538166.8), dbSNP rs1555631238, ClinGen allele CA658799023.
Genomic context (GRCh38, chr18:31,592,996, plus strand): 5'-TAGATGCTGTCCGAGGCAGTCCTGCCATCAATGTGGCCGTGCATGTGTTCAGAAAGGCTG[CTGA>C]TGACACCTGGGAGCCATTTGCCTCTGGGTAAGTTGCCAAAGAACCCTCCCACAGGACTTG-3'